The following is an entry in ClinVar:

NM_003816.3(ADAM9):c.658G>A (p.Val220Ile)

Gene: ADAM9 (ADAM metallopeptidase domain 9; plus strand). Cytogenetic location: 8p11.22.
Variant type: single nucleotide variant.
Coding change: c.658G>A on transcript NM_003816.3 (MANE Select); coding-DNA position 658, G replaced by A.
Protein change: p.Val220Ile; replaces valine 220 with isoleucine.
Molecular consequence: missense variant. On other transcripts: non-coding transcript variant (3).
Genome position (GRCh38, 1-based): chr8:39,018,904, G>A. VCF-style: chr8-39018904-G-A. GRCh37 (hg19) VCF-style: chr8-38876423-G-A.
Other names: short protein forms V220I.
Identifiers: ClinVar variation 837252 (VCV000837252.5), dbSNP rs138367650, ClinGen allele CA4721395.

ClinVar aggregate classification (germline): Uncertain significance. Review status: criteria provided, multiple submitters, no conflicts (2 of 4 stars). 2 submissions from 2 submitters: Uncertain significance (2). Last evaluated 2023-09-21.

Allele frequency attached by ClinVar (database versions not stated): ExAC 0.00002; gnomAD exomes 0.00002 and 0.00003; gnomAD 0.00005; TOPMed 0.00005; ESP Exome Variant Server 0.00008.
gnomAD v4.1: 58 of 1,613,788 alleles (0.0036%); highest among the groups gnomAD compares: African/African-American, 0.015%; no homozygotes.

Submissions (2):

Blueprint Genetics
Classification: Uncertain significance. Last evaluated: 2023-09-21. Review status: criteria provided, single submitter. Criteria: ACMG Guidelines, 2015. Collection method: clinical testing. Allele origin: germline.

Labcorp Genetics (formerly Invitae), Labcorp
Classification: Uncertain significance. Last evaluated: 2022-10-13. Review status: criteria provided, single submitter. Criteria: Invitae Variant Classification Sherloc (09022015). Collection method: clinical testing. Allele origin: germline.
Comment: This variant is present in population databases (rs138367650, gnomAD 0.02%). This variant has not been reported in the literature in individuals affected with ADAM9-related conditions. ClinVar contains an entry for this variant (Variation ID: 837252). Advanced modeling of protein sequence and biophysical properties (such as structural, functional, and spatial information, amino acid conservation, physicochemical variation, residue mobility, and thermodynamic stability) performed at Invitae indicates that this missense variant is not expected to disrupt ADAM9 protein function. In summary, the available evidence is currently insufficient to determine the role of this variant in disease. Therefore, it has been classified as a Variant of Uncertain Significance. This sequence change replaces valine, which is neutral and non-polar, with isoleucine, which is neutral and non-polar, at codon 220 of the ADAM9 protein (p.Val220Ile).